The following is an entry in ClinVar:

NM_000183.3(HADHB):c.982G>A (p.Ala328Thr)

Gene: HADHB (hydroxyacyl-CoA dehydrogenase trifunctional multienzyme complex subunit beta; plus strand). Cytogenetic location: 2p23.3.
Variant type: single nucleotide variant.
Coding change: c.982G>A on transcript NM_000183.3 (MANE Select); coding-DNA position 982, G replaced by A.
Protein change: p.Ala328Thr; replaces alanine 328 with threonine.
Molecular consequence: missense variant.
Genome position (GRCh38, 1-based): chr2:26,282,893, G>A. VCF-style: chr2-26282893-G-A. GRCh37 (hg19) VCF-style: chr2-26505761-G-A.
Other names: c.937G>A, p.Ala313Thr (NM_001281512.2); c.916G>A, p.Ala306Thr (NM_001281513.2); c.982G>A (NM_000183.2); short protein forms A306T, A328T, A313T.
Identifiers: ClinVar variation 1922358 (VCV001922358.6), dbSNP rs1267365357, ClinGen allele CA346094602.
Genomic context (GRCh38, chr2:26,282,893, plus strand): 5'-TTAACATTTCAGACTGATGGTGCATCTGCAATGTTAATCATGGCGGAGGAAAAGGCTCTG[G>A]CCATGGGTTATAAGCCGAAGGCATATTTGAGGTAAAGTAAATGTTCAAACAAATCATCTC-3'
Protein context (NP_000174.1, residues 318-338): MLIMAEEKAL[Ala328Thr]MGYKPKAYLR

ClinVar aggregate classification (germline): Uncertain significance. Review status: criteria provided, multiple submitters, no conflicts (2 of 4 stars). 2 submissions from 2 submitters: Uncertain significance (2). Last evaluated 2025-10-02.

Conditions:
Inborn genetic diseases. Identifiers: MedGen C0950123, MeSH D030342.
Mitochondrial trifunctional protein deficiency. Identifiers: Orphanet 746, MedGen C1969443, MONDO:0012172.

Allele frequency attached by ClinVar (database versions not stated): TOPMed below 0.00001; gnomAD 0.00001; gnomAD exomes 0.00001.
gnomAD v4.1: 4 of 1,612,956 alleles (0.00025%); highest among the groups gnomAD compares: Non-Finnish European, 0.00034%; no homozygotes.

Submissions (2):

Labcorp Genetics (formerly Invitae), Labcorp
Classification: Uncertain significance for Mitochondrial trifunctional protein deficiency. Last evaluated: 2025-10-02. Review status: criteria provided, single submitter. Criteria: Invitae Variant Classification Sherloc (09022015). Collection method: clinical testing. Allele origin: germline.
Comment: This sequence change replaces alanine, which is neutral and non-polar, with threonine, which is neutral and polar, at codon 328 of the HADHB protein (p.Ala328Thr). This variant is not present in population databases (gnomAD no frequency). This variant has not been reported in the literature in individuals affected with HADHB-related conditions. ClinVar contains an entry for this variant (Variation ID: 1922358). Invitae Evidence Modeling of protein sequence and biophysical properties (such as structural, functional, and spatial information, amino acid conservation, physicochemical variation, residue mobility, and thermodynamic stability) indicates that this missense variant is not expected to disrupt HADHB protein function with a negative predictive value of 80%. In summary, the available evidence is currently insufficient to determine the role of this variant in disease. Therefore, it has been classified as a Variant of Uncertain Significance.

Ambry Genetics
Classification: Uncertain significance for Inborn genetic diseases. Last evaluated: 2024-12-28. Review status: criteria provided, single submitter. Criteria: Ambry Variant Classification Scheme 2023. Collection method: clinical testing. Allele origin: germline.